The following is an entry in ClinVar:

ClinVar aggregate classification (germline): Uncertain significance (1 of 4 stars; one submission).

Allele frequency attached by ClinVar (database versions not stated): gnomAD exomes below 0.00001.
gnomAD v4.1: 2 of 1,613,960 alleles (0.00012%); highest among the groups gnomAD compares: East Asian, 0.0045%; no homozygotes.

Submission:

Labcorp Genetics (formerly Invitae), Labcorp
Classification: Uncertain significance. Last evaluated: 2023-11-24. Review status: criteria provided, single submitter. Criteria: Invitae Variant Classification Sherloc (09022015). Collection method: clinical testing. Allele origin: germline.
Comment: This sequence change replaces lysine, which is basic and polar, with threonine, which is neutral and polar, at codon 798 of the ASPM protein (p.Lys798Thr). This variant is present in population databases (no rsID available, gnomAD 0.02%). This variant has not been reported in the literature in individuals affected with ASPM-related conditions. Advanced modeling of protein sequence and biophysical properties (such as structural, functional, and spatial information, amino acid conservation, physicochemical variation, residue mobility, and thermodynamic stability) has been performed at Invitae for this missense variant, however the output from this modeling did not meet the statistical confidence thresholds required to predict the impact of this variant on ASPM protein function. In summary, the available evidence is currently insufficient to determine the role of this variant in disease. Therefore, it has been classified as a Variant of Uncertain Significance.

NM_018136.5(ASPM):c.2393A>C (p.Lys798Thr)

Gene: ASPM (assembly factor for spindle microtubules; minus strand). Cytogenetic location: 1q31.3.
Variant type: single nucleotide variant.
Coding change: c.2393A>C on transcript NM_018136.5 (MANE Select); coding-DNA position 2393, A replaced by C.
Protein change: p.Lys798Thr; replaces lysine 798 with threonine.
Molecular consequence: missense variant.
Genome position (GRCh38, 1-based): chr1:197,133,376, T>G on the plus strand (A>C on the coding strand, the complement: ASPM is on the minus strand). VCF-style: chr1-197133376-T-G. GRCh37 (hg19) VCF-style: chr1-197102506-T-G.
Other names: c.2393A>C, p.Lys798Thr (NM_001206846.2); short protein forms K798T.
Identifiers: ClinVar variation 2789659 (VCV002789659.3), dbSNP rs1413235825, ClinGen allele CA344009812.
Genomic context (GRCh38, chr1:197,133,376, plus strand): 5'-AGAATTAATGTCAAGATTTCTGCAGTCTTCTTACCCACATCTTTCCATAGGTGTCTATCT[T>G]TTCGAACAATTAACCGCCTAGCTTCAATTTCAATTTCAAGCTTTTTAATAGCTTTAACCA-3'
Protein context (NP_060606.3, residues 788-808): EIEARRLIVR[Lys798Thr]DRHLWKDVGE